The following is an entry in ClinVar:

ClinVar aggregate classification (germline): Uncertain significance (1 of 4 stars; one submission).

gnomAD v4.1: 1 of 1,613,918 alleles (0.000062%); highest among the groups gnomAD compares: South Asian, 0.0011%; no homozygotes.

Submission:

Labcorp Genetics (formerly Invitae), Labcorp
Classification: Uncertain significance. Last evaluated: 2024-04-06. Review status: criteria provided, single submitter. Criteria: Invitae Variant Classification Sherloc (09022015). Collection method: clinical testing. Allele origin: germline.
Comment: This sequence change replaces alanine, which is neutral and non-polar, with serine, which is neutral and polar, at codon 836 of the FN1 protein (p.Ala836Ser). This variant is present in population databases (rs564633358, gnomAD 0.003%). This variant has not been reported in the literature in individuals affected with FN1-related conditions. Advanced modeling of protein sequence and biophysical properties (such as structural, functional, and spatial information, amino acid conservation, physicochemical variation, residue mobility, and thermodynamic stability) performed at Invitae indicates that this missense variant is expected to disrupt FN1 protein function with a positive predictive value of 80%. In summary, the available evidence is currently insufficient to determine the role of this variant in disease. Therefore, it has been classified as a Variant of Uncertain Significance.

NM_212482.4(FN1):c.2506G>T (p.Ala836Ser)

Gene: FN1 (fibronectin 1; minus strand). Cytogenetic location: 2q35.
Variant type: single nucleotide variant.
Coding change: c.2506G>T on transcript NM_212482.4 (MANE Select); coding-DNA position 2506, G replaced by T.
Protein change: p.Ala836Ser; replaces alanine 836 with serine.
Molecular consequence: missense variant.
Genome position (GRCh38, 1-based): chr2:215,408,120, C>A on the plus strand (G>T on the coding strand, the complement: FN1 is on the minus strand). VCF-style: chr2-215408120-C-A. GRCh37 (hg19) VCF-style: chr2-216272843-C-A.
Other names: c.2506G>T, p.Ala836Ser (NM_001365521.2, NM_001365522.2, NM_001365523.2 and 13 more transcripts); short protein forms A836S.
Identifiers: ClinVar variation 3623688 (VCV003623688.2).
Genomic context (GRCh38, chr2:215,408,120, plus strand): 5'-TGTCATTAAGATTAACATAGCAGCCAAAGAGGGGGACGCTTAGCTGACCTGTGATGGGAG[C>A]CTGGGGTCTGCTCCAGCGAACAACAATTGAGGTGTCATCAACTTGGTCCACAGTCGTGTC-3'
Protein context (NP_997647.2, residues 826-846): SIVVRWSRPQ[Ala836Ser]PITGYRIVYS